The following is an entry in ClinVar:

NM_000051.4(ATM):c.7098A>T (p.Glu2366Asp)

Genes: ATM (ATM serine/threonine kinase; plus strand), C11orf65 (chromosome 11 open reading frame 65; minus strand). Cytogenetic location: 11q22.3.
Variant type: single nucleotide variant.
Coding change: c.7098A>T on transcript NM_000051.4 (MANE Select); coding-DNA position 7098, A replaced by T.
Protein change: p.Glu2366Asp; replaces glutamic acid 2366 with aspartic acid.
Molecular consequence: missense variant. On other transcripts: intron variant (2).
Genome position (GRCh38, 1-based): chr11:108,329,029, A>T. VCF-style: chr11-108329029-A-T. GRCh37 (hg19) VCF-style: chr11-108199756-A-T.
Other names: c.7098A>T, p.Glu2366Asp (NM_001351834.2); c.641-19958T>A (NM_001330368.2); c.*38+6191T>A (NM_001351110.2); short protein forms E2366D.
Identifiers: ClinVar variation 3720474 (VCV003720474.2).

ClinVar aggregate classification (germline): Uncertain significance (1 of 4 stars; one submission).

Conditions:
Ataxia-telangiectasia syndrome (AT). Also called: Ataxia-telangiectasia, complementation group D; AT, COMPLEMENTATION GROUP C; ATAXIA-TELANGIECTASIA, COMPLEMENTATION GROUP A; ATAXIA-TELANGIECTASIA, FRESNO VARIANT; Ataxia-telangiectasia; Ataxia-telangiectasia, complementation group E. Identifiers: Orphanet 100, MedGen C0004135, MONDO:0008840, OMIM 208900.

Submission:

Labcorp Genetics (formerly Invitae), Labcorp
Classification: Uncertain significance for Ataxia-telangiectasia syndrome. Last evaluated: 2024-11-24. Review status: criteria provided, single submitter. Criteria: Invitae Variant Classification Sherloc (09022015). Collection method: clinical testing. Allele origin: germline.
Comment: This sequence change replaces glutamic acid, which is acidic and polar, with aspartic acid, which is acidic and polar, at codon 2366 of the ATM protein (p.Glu2366Asp). This variant is not present in population databases (gnomAD no frequency). This variant has not been reported in the literature in individuals affected with ATM-related conditions. Invitae Evidence Modeling of protein sequence and biophysical properties (such as structural, functional, and spatial information, amino acid conservation, physicochemical variation, residue mobility, and thermodynamic stability) indicates that this missense variant is not expected to disrupt ATM protein function with a negative predictive value of 95%. In summary, the available evidence is currently insufficient to determine the role of this variant in disease. Therefore, it has been classified as a Variant of Uncertain Significance.